The following is an entry in ClinVar:

NM_001605.3(AARS1):c.1223-256G>A

Gene: AARS1 (alanyl-tRNA synthetase 1; minus strand). Cytogenetic location: 16q22.1.
Variant type: single nucleotide variant.
Coding change: c.1223-256G>A on transcript NM_001605.3 (MANE Select); 256 bases into the intron before coding-DNA position 1223, G replaced by A.
Molecular consequence: intron variant.
Genome position (GRCh38, 1-based): chr16:70,265,918, C>T on the plus strand (G>A on the coding strand, the complement: AARS1 is on the minus strand). VCF-style: chr16-70265918-C-T. GRCh37 (hg19) VCF-style: chr16-70299821-C-T.
Identifiers: ClinVar variation 673487 (VCV000673487.1), dbSNP rs138433042, ClinGen allele CA283436408.

ClinVar aggregate classification (germline): Likely benign (1 of 4 stars; one submission).

Allele frequency attached by ClinVar (database versions not stated): 1000 Genomes Project 0.00739; gnomAD 0.00772 and 0.00829; 1000 Genomes Project 30x 0.00781; TOPMed 0.00855.
gnomAD v4.1: 1,161 of 152,304 alleles (0.76%); highest among the groups gnomAD compares: African/African-American, 2.6%; 17 homozygotes.

Submission:

GeneDx
Classification: Likely benign. Last evaluated: 2018-06-16. Review status: criteria provided, single submitter. Criteria: GeneDx Variant Classification (06012015). Collection method: clinical testing. Allele origin: germline. Affected: yes.
Comment: This variant is considered likely benign or benign based on one or more of the following criteria: it is a conservative change, it occurs at a poorly conserved position in the protein, it is predicted to be benign by multiple in silico algorithms, and/or has population frequency not consistent with disease.